The following is an entry in ClinVar:

ClinVar aggregate classification (germline): Uncertain significance (1 of 4 stars; one submission).

Allele frequency attached by ClinVar (database versions not stated): gnomAD exomes below 0.00001 and 0.00001; ExAC 0.00002.
gnomAD v4.1: 2 of 1,613,872 alleles (0.00012%); highest among the groups gnomAD compares: Admixed American, 0.0033%; no homozygotes.

Submission:

Labcorp Genetics (formerly Invitae), Labcorp
Classification: Uncertain significance. Last evaluated: 2023-07-07. Review status: criteria provided, single submitter. Criteria: Invitae Variant Classification Sherloc (09022015). Collection method: clinical testing. Allele origin: germline.
Comment: This variant has not been reported in the literature in individuals affected with SLC26A3-related conditions. This variant is present in population databases (rs777504274, gnomAD 0.006%). This sequence change replaces glycine, which is neutral and non-polar, with serine, which is neutral and polar, at codon 212 of the SLC26A3 protein (p.Gly212Ser). ClinVar contains an entry for this variant (Variation ID: 1352825). In summary, the available evidence is currently insufficient to determine the role of this variant in disease. Therefore, it has been classified as a Variant of Uncertain Significance. Advanced modeling of protein sequence and biophysical properties (such as structural, functional, and spatial information, amino acid conservation, physicochemical variation, residue mobility, and thermodynamic stability) performed at Invitae indicates that this missense variant is expected to disrupt SLC26A3 protein function.

NM_000111.3(SLC26A3):c.634G>A (p.Gly212Ser)

Gene: SLC26A3 (solute carrier family 26 member 3; minus strand). Cytogenetic location: 7q22.3.
Variant type: single nucleotide variant.
Coding change: c.634G>A on transcript NM_000111.3 (MANE Select); coding-DNA position 634, G replaced by A.
Protein change: p.Gly212Ser; replaces glycine 212 with serine.
Molecular consequence: missense variant.
Genome position (GRCh38, 1-based): chr7:107,789,625, C>T on the plus strand (G>A on the coding strand, the complement: SLC26A3 is on the minus strand). VCF-style: chr7-107789625-C-T. GRCh37 (hg19) VCF-style: chr7-107430070-C-T.
Other names: short protein forms G212S.
Identifiers: ClinVar variation 1352825 (VCV001352825.8), dbSNP rs777504274, ClinGen allele CA4434068.